The following is an entry in ClinVar:

NM_016038.4(SBDS):c.398T>C (p.Ile133Thr)

Gene: SBDS (SBDS ribosome maturation factor; minus strand). Cytogenetic location: 7q11.21.
Variant type: single nucleotide variant.
Coding change: c.398T>C on transcript NM_016038.4 (MANE Select); coding-DNA position 398, T replaced by C.
Protein change: p.Ile133Thr; replaces isoleucine 133 with threonine.
Molecular consequence: missense variant.
Genome position (GRCh38, 1-based): chr7:66,993,278, A>G on the plus strand (T>C on the coding strand, the complement: SBDS is on the minus strand). VCF-style: chr7-66993278-A-G. GRCh37 (hg19) VCF-style: chr7-66458265-A-G.
Other names: short protein forms I133T.
Identifiers: ClinVar variation 3437531 (VCV003437531.1).
Genomic context (GRCh38, chr7:66,993,278, plus strand): 5'-TGCTGTTTTGTACTCTTGTTGGTTTTCACCGAATAGTGGATGTCCTTCATGGCTCTCTCA[A>G]TAAGGATCACGGTGTATGGTCTCTTTGTTTCAGGATTCACACATTTGTCTGCCACAATAG-3'
Protein context (NP_057122.2, residues 123-143): ETKRPYTVIL[Ile133Thr]ERAMKDIHYS

ClinVar aggregate classification (germline): Uncertain significance (1 of 4 stars; one submission).

Conditions:
Inborn genetic diseases. Identifiers: MedGen C0950123, MeSH D030342.

Submission:

Ambry Genetics
Classification: Uncertain significance for Inborn genetic diseases. Last evaluated: 2024-11-28. Review status: criteria provided, single submitter. Criteria: Ambry Variant Classification Scheme 2023. Collection method: clinical testing. Allele origin: germline.
Comment: The p.I133T variant (also known as c.398T>C), located in coding exon 3 of the SBDS gene, results from a T to C substitution at nucleotide position 398. The isoleucine at codon 133 is replaced by threonine, an amino acid with similar properties. This amino acid position is conserved. In addition, this alteration is predicted to be deleterious by in silico analysis. Based on the available evidence, the clinical significance of this variant remains unclear.